The following is an entry in ClinVar:

NM_001365276.2(TNXB):c.2981G>A (p.Arg994His)

Gene: TNXB (tenascin XB; minus strand). Cytogenetic location: 6p21.33.
Variant type: single nucleotide variant.
Coding change: c.2981G>A on transcript NM_001365276.2 (MANE Select); coding-DNA position 2981, G replaced by A.
Protein change: p.Arg994His; replaces arginine 994 with histidine.
Molecular consequence: missense variant.
Genome position (GRCh38, 1-based): chr6:32,085,917, C>T on the plus strand (G>A on the coding strand, the complement: TNXB is on the minus strand). VCF-style: chr6-32085917-C-T. GRCh37 (hg19) VCF-style: chr6-32053694-C-T.
Other names: p.Arg994His; c.2981G>A, p.Arg994His (NM_019105.8); short protein forms R994H.
Identifiers: ClinVar variation 1210001 (VCV001210001.10), dbSNP rs372167278, ClinGen allele CA3735282.

ClinVar aggregate classification (germline): Conflicting classifications of pathogenicity. Review status: criteria provided, conflicting classifications (1 of 4 stars). 7 submissions from 7 submitters: Uncertain significance (1); Likely benign (3). 3 of the submissions do not count toward it. Last evaluated 2025-08-14.

Conditions:
Cardiovascular phenotype. Identifiers: MedGen CN230736.
TNXB-related disorder. Also called: TNXB-related condition.

Allele frequency attached by ClinVar (database versions not stated): gnomAD 0.00013 and 0.00015.
gnomAD v4.1: 190 of 1,608,592 alleles (0.012%); highest among the groups gnomAD compares: Middle Eastern, 0.48%; 2 homozygotes.

Submissions (7):

Mayo Clinic Laboratories, Mayo Clinic
Classification: Likely benign. Last evaluated: 2025-08-14. Review status: criteria provided, single submitter. Criteria: ACMG Guidelines, 2015. Collection method: clinical testing. Allele origin: germline. Observed: 1 variant allele.
Comment: BS1, BS2_supporting, BP4_moderate

Women's Health and Genetics/Laboratory Corporation of America, LabCorp
Classification: Likely benign. Last evaluated: 2025-07-10. Review status: criteria provided, single submitter. Criteria: LabCorp Variant Classification Summary - May 2015. Collection method: clinical testing. Allele origin: germline.
Comment: Variant summary: TNXB c.2981G>A (p.Arg994His) results in a non-conservative amino acid change in the encoded protein sequence. Algorithms developed to predict the effect of missense changes on protein structure and function are either unavailable or do not agree on the potential impact of this missense change. The variant allele was found at a frequency of 0.00012 in 1670918 control chromosomes in the gnomAD database, including 2 homozygotes. This frequency is not higher than the maximum estimated for a pathogenic variant in TNXB causing Ehlers-Danlos syndrome due to tenascin-X deficiency (0.00012 vs 0.0011), allowing no clear conclusions about variant significance. To our knowledge, no occurrence of c.2981G>A in individuals affected with Ehlers-Danlos syndrome due to tenascin-X deficiency and no experimental evidence demonstrating its impact on protein function have been reported. ClinVar contains an entry for this variant (Variation ID: 1210001). Based on the evidence outlined above, the variant was classified as likely benign.

Ambry Genetics
Classification: Uncertain significance for Cardiovascular phenotype. Last evaluated: 2024-07-25. Review status: criteria provided, single submitter. Criteria: Ambry Variant Classification Scheme 2023. Collection method: clinical testing. Allele origin: germline.
Comment: The p.R994H variant (also known as c.2981G>A), located in coding exon 6 of the TNXB gene, results from a G to A substitution at nucleotide position 2981. The arginine at codon 994 is replaced by histidine, an amino acid with highly similar properties. This amino acid position is not well conserved in available vertebrate species. In addition, this alteration is predicted to be tolerated by in silico analysis. Since supporting evidence is limited at this time, the clinical significance of this alteration remains unclear.

GeneDx
Classification: Likely benign. Last evaluated: 2020-10-06. Review status: criteria provided, single submitter. Criteria: GeneDx Variant Classification Process June 2021. Collection method: clinical testing. Allele origin: germline. Affected: yes.

PreventionGenetics, part of Exact Sciences
Classification: Uncertain significance for TNXB-related condition. Last evaluated: 2024-03-14. Review status: no assertion criteria provided. Collection method: clinical testing. Allele origin: germline. Not counted in ClinVar's aggregate classification.
Comment: The TNXB c.2981G>A variant is predicted to result in the amino acid substitution p.Arg994His. To our knowledge, this variant has not been reported in the literature. This variant is reported in 0.034% of alleles in individuals of Latino descent in gnomAD. At this time, the clinical significance of this variant is uncertain due to the absence of conclusive functional and genetic evidence.

Genome Diagnostics Laboratory, Amsterdam University Medical Center
Classification: Likely benign. Review status: no assertion criteria provided. Collection method: clinical testing. Allele origin: germline. Affected: yes. Study: VKGL Data-share Consensus. Not counted in ClinVar's aggregate classification.

Genome Diagnostics Laboratory, University Medical Center Utrecht
Classification: Likely benign. Review status: no assertion criteria provided. Collection method: clinical testing. Allele origin: germline. Affected: yes. Study: VKGL Data-share Consensus. Not counted in ClinVar's aggregate classification.